The following is an entry in ClinVar:

ClinVar aggregate classification (germline): Uncertain significance (1 of 4 stars; one submission).

Submission:

GeneDx
Classification: Uncertain significance. Last evaluated: 2025-06-10. Review status: criteria provided, single submitter. Criteria: GeneDx Variant Classification Process June 2021. Collection method: clinical testing. Allele origin: germline. Affected: yes.
Comment: In silico analysis suggests that this missense variant does not alter protein structure/function; Has not been previously published as pathogenic or benign to our knowledge

NM_004086.3(COCH):c.377G>A (p.Gly126Asp)

Genes: COCH (cochlin; plus strand), COCH-AS1 (COCH antisense RNA 1; minus strand). Cytogenetic location: 14q12.
Variant type: single nucleotide variant.
Coding change: c.377G>A on transcript NM_004086.3 (MANE Select); coding-DNA position 377, G replaced by A.
Protein change: p.Gly126Asp; replaces glycine 126 with aspartic acid.
Molecular consequence: missense variant.
Genome position (GRCh38, 1-based): chr14:30,879,426, G>A. VCF-style: chr14-30879426-G-A. GRCh37 (hg19) VCF-style: chr14-31348632-G-A.
Other names: c.377G>A, p.Gly126Asp (NM_001135058.2); c.572G>A, p.Gly191Asp (NM_001347720.2); short protein forms G126D, G191D.
Identifiers: ClinVar variation 4538027 (VCV004538027.1).